The following is an entry in ClinVar:

ClinVar aggregate classification (germline): Likely benign. Review status: criteria provided, multiple submitters, no conflicts (2 of 4 stars). 2 submissions from 2 submitters: Likely benign (2). Last evaluated 2024-06-26.

gnomAD v4.1: 4 of 1,578,806 alleles (0.00025%); highest among the groups gnomAD compares: East Asian, 0.0023%; no homozygotes.

Submissions (2):

Women's Health and Genetics/Laboratory Corporation of America, LabCorp
Classification: Likely benign. Last evaluated: 2024-06-26. Review status: criteria provided, single submitter. Criteria: LabCorp Variant Classification Summary - May 2015. Collection method: clinical testing. Allele origin: germline.
Comment: Variant summary: TGFB1 c.1098C>T alters a conserved nucleotide resulting in a synonymous change. Consensus agreement among computation tools predict no significant impact on normal splicing. However, these predictions have yet to be confirmed by functional studies. The frequency data for this variant in gnomAD is considered unreliable, as metrics indicate poor data quality at this position. To our knowledge, no occurrence of c.1098C>T in individuals affected with TGFB1-Related Disorders and no experimental evidence demonstrating its impact on protein function have been reported. No submitters have cited clinical-significance assessments for this variant to ClinVar. Based on the evidence outlined above, the variant was classified as likely benign.

Labcorp Genetics (formerly Invitae), Labcorp
Classification: Likely benign. Last evaluated: 2024-02-20. Review status: criteria provided, single submitter. Criteria: Invitae Variant Classification Sherloc (09022015). Collection method: clinical testing. Allele origin: germline.

NM_000660.7(TGFB1):c.1098C>T (p.Ile366=)

Gene: TGFB1 (transforming growth factor beta 1; minus strand). Cytogenetic location: 19q13.2.
Variant type: single nucleotide variant.
Coding change: c.1098C>T on transcript NM_000660.7 (MANE Select); coding-DNA position 1098, C replaced by T.
Protein change: p.Ile366=; no amino-acid change (isoleucine 366 retained).
Molecular consequence: synonymous variant.
Genome position (GRCh38, 1-based): chr19:41,331,127, G>A on the plus strand (C>T on the coding strand, the complement: TGFB1 is on the minus strand). VCF-style: chr19-41331127-G-A. GRCh37 (hg19) VCF-style: chr19-41837032-G-A.
Identifiers: ClinVar variation 3339634 (VCV003339634.3).